The following is an entry in ClinVar:

ClinVar aggregate classification (germline): Uncertain significance. Review status: criteria provided, multiple submitters, no conflicts (2 of 4 stars). 3 submissions from 3 submitters: Uncertain significance (3). Last evaluated 2025-12-08.

Conditions:
Inborn genetic diseases. Identifiers: MedGen C0950123, MeSH D030342.
BNAR syndrome. Also called: Bifid Nose With or Without Anorectal and Renal Anomalies (BNAR) Syndrome. Identifiers: Orphanet 217266, MedGen C2750433, MONDO:0012165, OMIM 608980.
Oculotrichoanal syndrome (MOTA). Also called: MARLES SYNDROME; Manitoba Oculotrichoanal (MOTA) Syndrome. Identifiers: Orphanet 2717, MedGen C1855425, MONDO:0009560, OMIM 248450.
Trigonocephaly 2 (TRIGNO2). Identifiers: Orphanet 3366, MedGen C3280974, MONDO:0013774, OMIM 614485.

Allele frequency attached by ClinVar (database versions not stated): TOPMed 0.00002; gnomAD 0.00001; ExAC 0.00001.
gnomAD v4.1: 10 of 1,611,018 alleles (0.00062%); highest among the groups gnomAD compares: Admixed American, 0.017%; no homozygotes.

Submissions (3):

Ambry Genetics
Classification: Uncertain significance for Inborn genetic diseases. Last evaluated: 2025-12-08. Review status: criteria provided, single submitter. Criteria: Ambry Variant Classification Scheme 2023. Collection method: clinical testing. Allele origin: germline.

Labcorp Genetics (formerly Invitae), Labcorp
Classification: Uncertain significance. Last evaluated: 2025-06-12. Review status: criteria provided, single submitter. Criteria: Invitae Variant Classification Sherloc (09022015). Collection method: clinical testing. Allele origin: germline.
Comment: This sequence change replaces proline, which is neutral and non-polar, with histidine, which is basic and polar, at codon 784 of the FREM1 protein (p.Pro784His). This variant is present in population databases (rs767551344, gnomAD 0.009%). This variant has not been reported in the literature in individuals affected with FREM1-related conditions. ClinVar contains an entry for this variant (Variation ID: 2047130). Invitae Evidence Modeling of protein sequence and biophysical properties (such as structural, functional, and spatial information, amino acid conservation, physicochemical variation, residue mobility, and thermodynamic stability) indicates that this missense variant is expected to disrupt FREM1 protein function with a positive predictive value of 80%. In summary, the available evidence is currently insufficient to determine the role of this variant in disease. Therefore, it has been classified as a Variant of Uncertain Significance.

Fulgent Genetics
Classification: Uncertain significance for Oculotrichoanal syndrome; BNAR syndrome; Trigonocephaly 2. Last evaluated: 2023-12-26. Review status: criteria provided, single submitter. Criteria: ACMG Guidelines, 2015. Collection method: clinical testing. Allele origin: germline.

NM_001379081.2(FREM1):c.2351C>A (p.Pro784His)

Gene: FREM1 (FRAS1 related extracellular matrix 1; minus strand). Cytogenetic location: 9p22.3.
Variant type: single nucleotide variant.
Coding change: c.2351C>A on transcript NM_001379081.2 (MANE Select); coding-DNA position 2351, C replaced by A.
Protein change: p.Pro784His; replaces proline 784 with histidine.
Molecular consequence: missense variant. On other transcripts: non-coding transcript variant (2).
Genome position (GRCh38, 1-based): chr9:14,819,429, G>T on the plus strand (C>A on the coding strand, the complement: FREM1 is on the minus strand). VCF-style: chr9-14819429-G-T. GRCh37 (hg19) VCF-style: chr9-14819427-G-T.
Other names: c.2351C>A (NM_144966.5); c.2351C>A, p.Pro784His (NM_144966.7); short protein forms P784H.
Identifiers: ClinVar variation 2047130 (VCV002047130.8), dbSNP rs767551344, ClinGen allele CA4990941.
Genomic context (GRCh38, chr9:14,819,429, plus strand): 5'-TCAGAAATTAGAATGTGCTCTGTGCTGATGATGCTTTGACCTCCCTCAGTCACTTTCAGA[G>T]GGTTGGTGAACGCCTAGAAAGAAGAAAGGAAGGAAACATTCAAAGCCTTTTTCCATGACC-3'
Protein context (NP_001366010.1, residues 774-794): DNQVPEAFTN[Pro784His]LKVTEGGQSI